The following is an entry in ClinVar:

NM_004329.3(BMPR1A):c.1322C>G (p.Ala441Gly)

Gene: BMPR1A (bone morphogenetic protein receptor type 1A; plus strand). Cytogenetic location: 10q23.2.
Variant type: single nucleotide variant.
Coding change: c.1322C>G on transcript NM_004329.3 (MANE Select); coding-DNA position 1322, C replaced by G.
Protein change: p.Ala441Gly; replaces alanine 441 with glycine.
Molecular consequence: missense variant.
Genome position (GRCh38, 1-based): chr10:86,921,675, C>G. VCF-style: chr10-86921675-C-G. GRCh37 (hg19) VCF-style: chr10-88681432-C-G.
Other names: short protein forms A441G.
Identifiers: ClinVar variation 649459 (VCV000649459.10), dbSNP rs1564725059, ClinGen allele CA377462406.
Genomic context (GRCh38, chr10:86,921,675, plus strand): 5'-ACTTCCAGCCCTACATCATGGCTGACATCTACAGCTTCGGCCTAATCATTTGGGAGATGG[C>G]TCGTCGTTGTATCACAGGAGGTGGGAGTTTGAGTAGTTTCTGATTATGTTGATTTACTCA-3'
Protein context (NP_004320.2, residues 431-451): YSFGLIIWEM[Ala441Gly]RRCITGGIVE

ClinVar aggregate classification (germline): Uncertain significance (1 of 4 stars; one submission).

Conditions:
Juvenile polyposis syndrome (JPS). Identifiers: Orphanet 2929, MedGen C0345893, MONDO:0017380, OMIM 174900.

Submission:

Labcorp Genetics (formerly Invitae), Labcorp
Classification: Uncertain significance for Juvenile polyposis syndrome. Last evaluated: 2018-08-08. Review status: criteria provided, single submitter. Criteria: Invitae Variant Classification Sherloc (09022015). Collection method: clinical testing. Allele origin: germline.
Comment: This sequence change replaces alanine with glycine at codon 441 of the BMPR1A protein (p.Ala441Gly). The alanine residue is moderately conserved and there is a small physicochemical difference between alanine and glycine. This variant is not present in population databases (ExAC no frequency). This variant has not been reported in the literature in individuals with BMPR1A-related disease. Algorithms developed to predict the effect of missense changes on protein structure and function (SIFT, PolyPhen-2, Align-GVGD) all suggest that this variant is likely to be tolerated, but these predictions have not been confirmed by published functional studies and their clinical significance is uncertain. In summary, the available evidence is currently insufficient to determine the role of this variant in disease. Therefore, it has been classified as a Variant of Uncertain Significance.